The following is an entry in ClinVar:

NM_014989.7(RIMS1):c.3835G>A (p.Gly1279Ser)

Gene: RIMS1 (regulating synaptic membrane exocytosis 1; plus strand). Cytogenetic location: 6q13.
Variant type: single nucleotide variant.
Coding change: c.3835G>A on transcript NM_014989.7 (MANE Select); coding-DNA position 3835, G replaced by A.
Protein change: p.Gly1279Ser; replaces glycine 1279 with serine.
Molecular consequence: missense variant.
Genome position (GRCh38, 1-based): chr6:72,292,031, G>A. VCF-style: chr6-72292031-G-A. GRCh37 (hg19) VCF-style: chr6-73001734-G-A.
Other names: c.1795G>A, p.Gly599Ser (NM_001168407.2, NM_001350422.2); c.1726G>A, p.Gly576Ser (NM_001168408.2, NM_001350414.2, NM_001350430.2 and 2 more transcripts); c.1555G>A, p.Gly519Ser (NM_001168409.2, NM_001350469.2); c.1753G>A, p.Gly585Ser (NM_001168410.2); c.1879G>A, p.Gly627Ser (NM_001350415.2, NM_001350445.2); c.1798G>A, p.Gly600Ser (NM_001350416.2, NM_001350417.2, NM_001350448.2); c.1801G>A, p.Gly601Ser (NM_001350418.2); c.1570G>A, p.Gly524Ser (NM_001350419.2, NM_001350423.2, NM_001350444.2); and 31 more; short protein forms G1279S, G468S, G552S, G561S, G577S, G579S, G585S, G599S.
Identifiers: ClinVar variation 935853 (VCV000935853.9), dbSNP rs570683146, ClinGen allele CA3886367.

ClinVar aggregate classification (germline): Conflicting classifications of pathogenicity. Review status: criteria provided, conflicting classifications (1 of 4 stars). 2 submissions from 2 submitters: Uncertain significance (1); Likely benign (1). Last evaluated 2025-11-28.

Allele frequency attached by ClinVar (database versions not stated): ExAC 0.00004; TOPMed 0.00004; gnomAD 0.00005 and 0.00006; gnomAD exomes 0.00010; 1000 Genomes Project 0.00020; 1000 Genomes Project 30x 0.00031.
gnomAD v4.1: 42 of 1,555,262 alleles (0.0027%); highest among the groups gnomAD compares: Admixed American, 0.025%; no homozygotes.

Submissions (2):

Labcorp Genetics (formerly Invitae), Labcorp
Classification: Uncertain significance. Last evaluated: 2025-11-28. Review status: criteria provided, single submitter. Criteria: Invitae Variant Classification Sherloc (09022015). Collection method: clinical testing. Allele origin: germline.
Comment: This sequence change replaces glycine, which is neutral and non-polar, with serine, which is neutral and polar, at codon 1279 of the RIMS1 protein (p.Gly1279Ser). This variant is present in population databases (rs570683146, gnomAD 0.04%), and has an allele count higher than expected for a pathogenic variant. This missense change has been observed in individual(s) with retinitis pigmentosa (internal data). ClinVar contains an entry for this variant (Variation ID: 935853). An algorithm developed to predict the effect of missense changes on protein structure and function outputs the following: PolyPhen-2: "Benign". The serine amino acid residue is found in multiple mammalian species, which suggests that this missense change does not adversely affect protein function. In summary, the available evidence is currently insufficient to determine the role of this variant in disease. Therefore, it has been classified as a Variant of Uncertain Significance.

Blueprint Genetics
Classification: Likely benign. Last evaluated: 2023-05-24. Review status: criteria provided, single submitter. Criteria: ACMG Guidelines, 2015. Collection method: clinical testing. Allele origin: germline.